The following is an entry in ClinVar:

NM_005422.4(TECTA):c.2537G>A (p.Gly846Glu)

Genes: TBCEL-TECTA (TBCEL-TECTA readthrough; plus strand), TECTA (tectorin alpha; plus strand), LOC126861365 (P300/CBP strongly-dependent group 1 enhancer GRCh37_chr11:121000154-121001353; plus strand). Cytogenetic location: 11q23.3.
Variant type: single nucleotide variant.
Coding change: c.2537G>A on transcript NM_005422.4 (MANE Select); coding-DNA position 2537, G replaced by A.
Protein change: p.Gly846Glu; replaces glycine 846 with glutamic acid.
Molecular consequence: missense variant.
Genome position (GRCh38, 1-based): chr11:121,129,807, G>A. VCF-style: chr11-121129807-G-A. GRCh37 (hg19) VCF-style: chr11-121000516-G-A.
Other names: c.3494G>A, p.Gly1165Glu (NM_001378761.1); short protein forms G846E, G1165E.
Identifiers: ClinVar variation 229289 (VCV000229289.5), dbSNP rs876658014, ClinGen allele CA10576837.

ClinVar aggregate classification (germline): Uncertain significance (1 of 4 stars; one submission).

Allele frequency attached by ClinVar (database versions not stated): TOPMed 0.00002; gnomAD 0.00003.
gnomAD v4.1: 3 of 1,614,084 alleles (0.00019%); highest among the groups gnomAD compares: Non-Finnish European, 0.00025%; no homozygotes.

Submission:

Laboratory for Molecular Medicine, Mass General Brigham Personalized Medicine
Classification: Uncertain significance. Last evaluated: 2017-05-18. Review status: criteria provided, single submitter. Criteria: LMM Criteria. Collection method: clinical testing. Allele origin: germline. Observed: 2 variant alleles.
Comment: The p.Gly846Glu variant in TECTA has been previously reported 1 individual with hearing loss and segregated in 2 affected family members. This variant has also been identified in 1/15012 European chromosomes by the Genome Aggregation Databa se (gnomAD). Although this variant has been se en in the general population, its frequency is not high enough to rule out a pat hogenic role. Computational prediction tools and conservation analyses do not pr ovide strong support for or against an impact to the protein. In summary, the cl inical significance of the p.Gly846Glu variant is uncertain.